The following is an entry in ClinVar:

ClinVar aggregate classification (germline): Uncertain significance. Review status: criteria provided, multiple submitters, no conflicts (2 of 4 stars). 2 submissions from 2 submitters: Uncertain significance (2). Last evaluated 2024-10-16.

Conditions:
Inborn genetic diseases. Identifiers: MedGen C0950123, MeSH D030342.

Allele frequency attached by ClinVar (database versions not stated): gnomAD 0.00001; gnomAD exomes below 0.00001; TOPMed 0.00001.
gnomAD v4.1: 3 of 1,595,808 alleles (0.00019%); highest among the groups gnomAD compares: Admixed American, 0.0034%; no homozygotes.

Submissions (2):

Ambry Genetics
Classification: Uncertain significance for Inborn genetic diseases. Last evaluated: 2024-10-16. Review status: criteria provided, single submitter. Criteria: Ambry Variant Classification Scheme 2023. Collection method: clinical testing. Allele origin: germline.

Labcorp Genetics (formerly Invitae), Labcorp
Classification: Uncertain significance. Last evaluated: 2022-07-26. Review status: criteria provided, single submitter. Criteria: Invitae Variant Classification Sherloc (09022015). Collection method: clinical testing. Allele origin: germline.
Comment: This sequence change replaces serine, which is neutral and polar, with arginine, which is basic and polar, at codon 95 of the FAM134B protein (p.Ser95Arg). This variant is not present in population databases (gnomAD no frequency). This variant has not been reported in the literature in individuals affected with FAM134B-related conditions. ClinVar contains an entry for this variant (Variation ID: 538131). Algorithms developed to predict the effect of missense changes on protein structure and function are either unavailable or do not agree on the potential impact of this missense change (SIFT: "Deleterious"; PolyPhen-2: "Possibly Damaging"; Align-GVGD: "Class C0"). In summary, the available evidence is currently insufficient to determine the role of this variant in disease. Therefore, it has been classified as a Variant of Uncertain Significance.

NM_001034850.3(RETREG1):c.285C>G (p.Ser95Arg)

Genes: RETREG1-AS1 (RETREG1 antisense RNA 1; plus strand), RETREG1 (reticulophagy regulator 1; minus strand). Cytogenetic location: 5p15.1.
Variant type: single nucleotide variant.
Coding change: c.285C>G on transcript NM_001034850.3 (MANE Select); coding-DNA position 285, C replaced by G.
Protein change: p.Ser95Arg; replaces serine 95 with arginine.
Molecular consequence: missense variant.
Genome position (GRCh38, 1-based): chr5:16,616,687, G>C on the plus strand (C>G on the coding strand, the complement: RETREG1 is on the minus strand). VCF-style: chr5-16616687-G-C. GRCh37 (hg19) VCF-style: chr5-16616796-G-C.
Other names: c.285C>G (NM_001034850.1); short protein forms S95R.
Identifiers: ClinVar variation 538131 (VCV000538131.9), dbSNP rs1554026716, ClinGen allele CA359292631.